The following is an entry in ClinVar:

ClinVar aggregate classification (germline): Uncertain significance. Review status: criteria provided, multiple submitters, no conflicts (2 of 4 stars). 2 submissions from 2 submitters: Uncertain significance (2). Last evaluated 2026-04-24.

Conditions:
Epidermolysis bullosa simplex, Ogna type (EBS5A). Also called: EPIDERMOLYSIS BULLOSA SIMPLEX 5A, OGNA TYPE; Pidermolysis bullosa simplex 5A, Ogna type. Identifiers: Orphanet 79401, MedGen C0432317, MONDO:0007555, OMIM 131950.
Epidermolysis bullosa simplex 5B, with muscular dystrophy (EBS5B). Also called: Epidermolysis bullosa simplex with muscular dystrophy; EPIDERMOLYSIS BULLOSA SIMPLEX AND LIMB-GIRDLE MUSCULAR DYSTROPHY. Identifiers: Orphanet 257, MedGen C2931072, MONDO:0009181, OMIM 226670.
Epidermolysis bullosa simplex with nail dystrophy (EBS5D). Identifiers: MedGen C4225309, MONDO:0014661, OMIM 616487.
Epidermolysis bullosa simplex 5C, with pyloric atresia (EBS5C). Also called: Epidermolysis bullosa simplex with pyloric atresia; PLEC-Related Epidermolysis Bullosa with Pyloric Atresia; PLEC1-Related Epidermolysis Bullosa with Pyloric Atresia. Identifiers: Orphanet 158684, MedGen C2677349, MONDO:0012807, OMIM 612138.
Autosomal recessive limb-girdle muscular dystrophy type 2Q (LGMDR17). Also called: MUSCULAR DYSTROPHY, LIMB-GIRDLE, AUTOSOMAL RECESSIVE 17. Identifiers: Orphanet 254361, MedGen C3150989, MONDO:0013390, OMIM 613723.
PLEC-related disorder. Also called: PLEC-related condition; PLEC-related disorders.

gnomAD v4.1: 32 of 1,597,952 alleles (0.002%); highest among the groups gnomAD compares: East Asian, 0.0045%; no homozygotes.

Submissions (2):

PreventionGenetics, part of Exact Sciences
Classification: Uncertain significance for PLEC-related condition. Last evaluated: 2026-04-24. Review status: criteria provided, single submitter. Criteria: ACMG Guidelines, 2015. Collection method: clinical testing. Allele origin: germline.
Comment: The PLEC c.5762G>A variant is predicted to result in the amino acid substitution p.Arg1921His. To our knowledge, this variant has not been reported in the literature. This variant is reported in 0.0033% of alleles in individuals of South Asian descent in gnomAD. At this time, the clinical significance of this variant is uncertain due to the absence of conclusive functional and genetic evidence.

Labcorp Genetics (formerly Invitae), Labcorp
Classification: Uncertain significance for Autosomal recessive limb-girdle muscular dystrophy type 2Q; Epidermolysis bullosa simplex, Ogna type; Epidermolysis bullosa simplex with nail dystrophy; Epidermolysis bullosa simplex 5C, with pyloric atresia; Epidermolysis bullosa simplex 5B, with muscular dystrophy. Last evaluated: 2025-08-04. Review status: criteria provided, single submitter. Criteria: Invitae Variant Classification Sherloc (09022015). Collection method: clinical testing. Allele origin: germline.
Comment: This sequence change replaces arginine, which is basic and polar, with histidine, which is basic and polar, at codon 1921 of the PLEC protein (p.Arg1921His). This variant is present in population databases (rs544063859, gnomAD 0.003%). This variant has not been reported in the literature in individuals affected with PLEC-related conditions. Experimental studies and prediction algorithms are not available or were not evaluated, and the functional significance of this variant is currently unknown. In summary, the available evidence is currently insufficient to determine the role of this variant in disease. Therefore, it has been classified as a Variant of Uncertain Significance.

NM_201384.3(PLEC):c.5681G>A (p.Arg1894His)

Gene: PLEC (plectin; minus strand). Cytogenetic location: 8q24.3.
Variant type: single nucleotide variant.
Coding change: c.5681G>A on transcript NM_201384.3 (MANE Select); coding-DNA position 5681, G replaced by A.
Protein change: p.Arg1894His; replaces arginine 1894 with histidine.
Molecular consequence: missense variant. On other transcripts: intron variant (1).
Genome position (GRCh38, 1-based): chr8:143,924,248, C>T on the plus strand (G>A on the coding strand, the complement: PLEC is on the minus strand). VCF-style: chr8-143924248-C-T. GRCh37 (hg19) VCF-style: chr8-144998416-C-T.
Other names: c.5762G>A, p.Arg1921His (NM_000445.5); c.5639G>A, p.Arg1880His (NM_201378.4); c.5615G>A, p.Arg1872His (NM_201379.3); c.6092G>A, p.Arg2031His (NM_201380.4); c.5585G>A, p.Arg1862His (NM_201381.3); c.5681G>A, p.Arg1894His (NM_201382.4); c.5693G>A, p.Arg1898His (NM_201383.3); c.4126-1853G>A (NM_001410941.1); and 1 more; short protein forms R1862H, R1872H, R1894H, R2031H, R1880H, R1898H, R1921H.
Identifiers: ClinVar variation 4789097 (VCV004789097.2).